The following is an entry in ClinVar:

ClinVar aggregate classification (germline): Likely benign. Review status: criteria provided, multiple submitters, no conflicts (2 of 4 stars). 3 submissions from 3 submitters: Likely benign (2). 1 of the submissions does not count toward it. Last evaluated 2025-12-01.

Conditions:
Hereditary cancer-predisposing syndrome. Also called: Tumor predisposition; Hereditary Cancer Syndrome; Neoplastic Syndromes, Hereditary; Hereditary neoplastic syndrome. Identifiers: Orphanet 140162, MedGen C0027672, MeSH D009386, MONDO:0015356.
Gorlin syndrome. Also called: Nevoid Basal Cell Carcinoma Syndrome; Basal cell nevus syndrome. Identifiers: Orphanet 377, MedGen C0004779, MONDO:0007187.
PTCH1-related disorder. Also called: PTCH1-related disorders; PTCH1-related condition.

Allele frequency attached by ClinVar (database versions not stated): 1000 Genomes Project below 0.00001; gnomAD 0.00001; gnomAD exomes 0.00001 and 0.00002; ExAC 0.00002; TOPMed 0.00002.
gnomAD v4.1: 26 of 1,614,022 alleles (0.0016%); highest among the groups gnomAD compares: East Asian, 0.0089%; no homozygotes.

Submissions (3):

Labcorp Genetics (formerly Invitae), Labcorp
Classification: Likely benign for Gorlin syndrome. Last evaluated: 2025-12-01. Review status: criteria provided, single submitter. Criteria: Invitae Variant Classification Sherloc (09022015). Collection method: clinical testing. Allele origin: germline.

Ambry Genetics
Classification: Likely benign for Hereditary cancer-predisposing syndrome. Last evaluated: 2024-01-18. Review status: criteria provided, single submitter. Criteria: Ambry Variant Classification Scheme 2023. Collection method: clinical testing. Allele origin: germline.

PreventionGenetics, part of Exact Sciences
Classification: Likely benign for PTCH1-related condition. Last evaluated: 2022-03-10. Review status: no assertion criteria provided. Collection method: clinical testing. Allele origin: germline. Not counted in ClinVar's aggregate classification.
Comment: This variant is classified as likely benign based on ACMG/AMP sequence variant interpretation guidelines (Richards et al. 2015 PMID: 25741868, with internal and published modifications).

NM_000264.5(PTCH1):c.1347+5C>T

Gene: PTCH1 (patched 1; minus strand). Cytogenetic location: 9q22.32.
Variant type: single nucleotide variant.
Coding change: c.1347+5C>T on transcript NM_000264.5 (MANE Select); 5 bases into the intron after coding-DNA position 1347, C replaced by T.
Molecular consequence: intron variant.
Genome position (GRCh38, 1-based): chr9:95,478,050, G>A on the plus strand (C>T on the coding strand, the complement: PTCH1 is on the minus strand). VCF-style: chr9-95478050-G-A. GRCh37 (hg19) VCF-style: chr9-98240332-G-A.
Other names: c.1344+5C>T (NM_001083603.3); c.1149+5C>T (NM_001083602.3); c.1347+5C>T (NM_001354918.2); c.894+5C>T (NM_001083605.3, NM_001083604.3, NM_001083606.3 and 1 more transcripts).
Identifiers: ClinVar variation 216370 (VCV000216370.16), dbSNP rs567257548, ClinGen allele CA339175.
Genomic context (GRCh38, chr9:95,478,050, plus strand): 5'-GAAAAGTAAAGACTAAAACAACCAAACCAAACTCCAGCCCCCAGGAGCATGGCATCGAGC[G>A]TTACCATGAGTAAGTAGCCGCTGGCCACGCGGATGACACTGACGTCAGAGAAGGATTTCA-3'